The following is an entry in ClinVar:

ClinVar aggregate classification (germline): Uncertain significance (1 of 4 stars; one submission).

Submission:

GeneDx
Classification: Uncertain significance. Last evaluated: 2024-07-11. Review status: criteria provided, single submitter. Criteria: GeneDx Variant Classification Process June 2021. Collection method: clinical testing. Allele origin: germline. Affected: yes.
Comment: Not observed at significant frequency in large population cohorts (gnomAD); In silico analysis supports that this missense variant has a deleterious effect on protein structure/function; Has not been previously published as pathogenic or benign to our knowledge

NM_018489.3(ASH1L):c.6317A>G (p.Asp2106Gly)

Gene: ASH1L (ASH1 like histone lysine methyltransferase; minus strand). Cytogenetic location: 1q22.
Variant type: single nucleotide variant.
Coding change: c.6317A>G on transcript NM_018489.3 (MANE Select); coding-DNA position 6317, A replaced by G.
Protein change: p.Asp2106Gly; replaces aspartic acid 2106 with glycine.
Molecular consequence: missense variant.
Genome position (GRCh38, 1-based): chr1:155,378,296, T>C on the plus strand (A>G on the coding strand, the complement: ASH1L is on the minus strand). VCF-style: chr1-155378296-T-C. GRCh37 (hg19) VCF-style: chr1-155348087-T-C.
Other names: c.6332A>G, p.Asp2111Gly (NM_001366177.2); short protein forms D2106G, D2111G.
Identifiers: ClinVar variation 3572498 (VCV003572498.1).